The following is an entry in ClinVar:

ClinVar aggregate classification (germline): Pathogenic/Likely pathogenic. Review status: criteria provided, multiple submitters, no conflicts (2 of 4 stars). 2 submissions from 2 submitters: Pathogenic (1); Likely pathogenic (1). Last evaluated 2024-09-27.

Conditions:
Hemorrhage, intracerebral, susceptibility to (ICH). Also called: Stroke, hemorrhagic, susceptibility to. Identifiers: MedGen C3281105, MONDO:0100533, OMIM 614519.
Microvascular complications of diabetes, susceptibility to, 3. Identifiers: MedGen C2675470, MONDO:0012963, OMIM 612624.
Renal tubular dysgenesis of genetic origin. Also called: PRIMITIVE RENAL TUBULE SYNDROME. Identifiers: Orphanet 97369, MedGen C5681536, MONDO:0009970, OMIM 267430.

Submissions (2):

Department of Human Genetics, Hannover Medical School
Classification: Pathogenic for Renal tubular dysgenesis of genetic origin. Last evaluated: 2024-09-27. Review status: criteria provided, single submitter. Criteria: ACMG Guidelines, 2015. Collection method: clinical testing. Allele origin: germline. Inheritance: Autosomal recessive inheritance. Affected: yes.
Comment: ACMG/ClinGen SVI: PVS1, PM2_Supporting, PM3_Supporting

Fulgent Genetics
Classification: Likely pathogenic for Renal tubular dysgenesis of genetic origin; Microvascular complications of diabetes, susceptibility to, 3; Hemorrhage, intracerebral, susceptibility to. Last evaluated: 2024-03-23. Review status: criteria provided, single submitter. Criteria: ACMG Guidelines, 2015. Collection method: clinical testing. Allele origin: germline.

NM_000789.4(ACE):c.21_30del (p.Arg8fs)

Gene: ACE (angiotensin I converting enzyme; plus strand). Cytogenetic location: 17q23.3.
Variant type: Deletion.
Coding change: c.21_30del on transcript NM_000789.4 (MANE Select); coding-DNA positions 21 to 30, 10 bases deleted (CCGGGGGCCG; older notation c.21_30delCCGGGGGCCG).
Protein change: p.Arg8fs; shifts the reading frame from arginine 8.
Molecular consequence: frameshift variant. On other transcripts: 5 prime UTR variant (2).
Genome position (GRCh38, 1-based): chr17:63,477,115-63,477,124, CCGGGGGCCG deleted; deleting any 10 consecutive bases within chr17:63,477,109-63,477,124 gives the same sequence; the c. name uses the placement nearest the transcript's 3' end. VCF-style (leftmost placement, unchanged base first): chr17-63477108-CGGGCCGCCGG-C. GRCh37 (hg19) VCF-style: chr17-61554469-CGGGCCGCCGG-C.
Other names: c.-215_-206del (NM_001382700.1); c.-594_-585del (NM_001382701.1); short protein forms R8fs.
Identifiers: ClinVar variation 3341107 (VCV003341107.2).
Genomic context (GRCh38, chr17:63,477,108, plus strand): 5'-GCCGCGGCGCAGGAGAAGGGGCAGAGCCGAGCACCGCGCACCGCGTCATGGGGGCCGCCT[CGGGCCGCCGG>C]GGGCCGGGGCTGCTGCTGCCGCTGCCGCTGCTGTTGCTGCTGCCGCCGCAGCCCGCCCTG-3'